The following is an entry in ClinVar:

ClinVar aggregate classification (germline): Uncertain significance (1 of 4 stars; one submission).

Conditions:
Arrhythmogenic right ventricular dysplasia 13. Also called: Arrhythmogenic right ventricular dysplasia, familial, 13; ARRHYTHMOGENIC RIGHT VENTRICULAR CARDIOMYOPATHY 13. Identifiers: MedGen C3810138, MONDO:0000908, OMIM 615616.

Submission:

Labcorp Genetics (formerly Invitae), Labcorp
Classification: Uncertain significance for Arrhythmogenic right ventricular dysplasia 13. Last evaluated: 2023-08-07. Review status: criteria provided, single submitter. Criteria: Invitae Variant Classification Sherloc (09022015). Collection method: clinical testing. Allele origin: germline.
Comment: In summary, the available evidence is currently insufficient to determine the role of this variant in disease. Therefore, it has been classified as a Variant of Uncertain Significance. Experimental studies and prediction algorithms are not available or were not evaluated, and the functional significance of this variant is currently unknown. This variant has not been reported in the literature in individuals affected with CTNNA3-related conditions. This variant is not present in population databases (gnomAD no frequency). This variant, c.2381_2383del, results in the deletion of 1 amino acid(s) of the CTNNA3 protein (p.Gly794del), but otherwise preserves the integrity of the reading frame.

NM_013266.4(CTNNA3):c.2378GAG[1] (p.Gly794del)

Gene: CTNNA3 (catenin alpha 3; minus strand). Cytogenetic location: 10q21.3.
Variant type: Microsatellite.
Coding change: c.2378GAG[1] on transcript NM_013266.4 (MANE Select); one copy of the 3-base unit GAG starting at c.2378; the reference has two copies in a row; one copy, 3 bases deleted.
Protein change: p.Gly794del; deletes glycine 794.
Molecular consequence: inframe deletion.
Genome position (GRCh38, 1-based): chr10:65,966,629-65,966,631, CTC deleted on the plus strand (GAG on the coding strand, the reverse complement: CTNNA3 is on the minus strand); deleting any 3 consecutive bases within chr10:65,966,629-65,966,635 gives the same sequence; the position shown is the placement nearest the transcript's 3' end. VCF-style (leftmost placement, unchanged base first): chr10-65966628-TCTC-T. GRCh37 (hg19) VCF-style: chr10-67726386-TCTC-T.
Other names: c.2378GAG[1], p.Gly794del (NM_001127384.3); short protein forms G794del.
Identifiers: ClinVar variation 2751094 (VCV002751094.3), dbSNP rs2492643271, ClinGen allele CA2609350470.